The following is an entry in ClinVar:

NM_001330574.2(ZNF711):c.2042A>G (p.Lys681Arg)

Gene: ZNF711 (zinc finger protein 711; plus strand). Cytogenetic location: Xq21.1.
Variant type: single nucleotide variant.
Coding change: c.2042A>G on transcript NM_001330574.2 (MANE Select); coding-DNA position 2042, A replaced by G.
Protein change: p.Lys681Arg; replaces lysine 681 with arginine.
Molecular consequence: missense variant.
Genome position (GRCh38, 1-based): chrX:85,271,446, A>G. VCF-style: chrX-85271446-A-G. GRCh37 (hg19) VCF-style: chrX-84526452-A-G.
Other names: c.2042A>G, p.Lys681Arg (NM_001375431.1, NM_001375432.1, NM_001375433.1); c.1904A>G, p.Lys635Arg (NM_001375434.1, NM_001375435.1, NM_001375436.1 and 2 more transcripts); short protein forms K635R, K681R.
Identifiers: ClinVar variation 1367671 (VCV001367671.8), dbSNP rs1243953949, ClinGen allele CA413776642.

ClinVar aggregate classification (germline): Uncertain significance (1 of 4 stars; one submission).

Allele frequency attached by ClinVar (database versions not stated): gnomAD exomes below 0.00001 and 0.00001; TOPMed 0.00003.
gnomAD v4.1: 4 of 1,211,385 alleles (0.00033%); highest among the groups gnomAD compares: Admixed American, 0.0022%; no homozygotes.

Submission:

Labcorp Genetics (formerly Invitae), Labcorp
Classification: Uncertain significance. Last evaluated: 2021-07-15. Review status: criteria provided, single submitter. Criteria: Invitae Variant Classification Sherloc (09022015). Collection method: clinical testing. Allele origin: germline.
Comment: In summary, the available evidence is currently insufficient to determine the role of this variant in disease. Therefore, it has been classified as a Variant of Uncertain Significance. This variant has not been reported in the literature in individuals affected with ZNF711-related conditions. Algorithms developed to predict the effect of missense changes on protein structure and function output the following: SIFT: "Deleterious"; PolyPhen-2: "Probably Damaging"; Align-GVGD: "Class C0". The arginine amino acid residue is found in multiple mammalian species, which suggests that this missense change does not adversely affect protein function. Algorithms developed to predict the effect of sequence changes on RNA splicing suggest that this variant may create or strengthen a splice site. This sequence change replaces lysine with arginine at codon 635 of the ZNF711 protein (p.Lys635Arg). The lysine residue is highly conserved and there is a small physicochemical difference between lysine and arginine. This variant is not present in population databases (ExAC no frequency).